The following is an entry in ClinVar:

ClinVar aggregate classification (germline): Pathogenic (1 of 4 stars; one submission).

Conditions:
Bainbridge-Ropers syndrome. Also called: Severe feeding difficulties-failure to thrive-microcephaly due to ASXL3 deficiency syndrome. Identifiers: Orphanet 352577, MedGen C4750837, MONDO:0014205, OMIM 615485.

Submission:

GeneDx
Classification: Pathogenic. Last evaluated: 2019-02-14. Review status: criteria provided, single submitter. Criteria: GeneDx Variant Classification (06012015). Collection method: clinical testing. Allele origin: germline. Affected: yes.
Comment: The c.4087_4088delATinsG variant in the ASXL3 gene has not been reported previously as a pathogenic variant nor as a benign variant, to our knowledge. The c.4087_4088delATinsG variant causes a frameshift starting with codon Methionine 1363, changes this amino acid to a Glycine residue, and creates a premature Stop codon at position 12 of the new reading frame, denoted p.Met1363GlyfsX12. This variant is predicted to cause loss of normal protein function through protein truncation. The c.4087_4088delATinsG variant is not observed in large population cohorts (Lek et al., 2016). We interpret c.4087_4088delATinsG as a pathogenic variant.

NM_030632.3(ASXL3):c.4087_4088delinsG (p.Met1363fs)

Gene: ASXL3 (ASXL transcriptional regulator 3; plus strand). Cytogenetic location: 18q12.1.
Variant type: Indel.
Coding change: c.4087_4088delinsG on transcript NM_030632.3 (MANE Select); coding-DNA positions 4087 to 4088, AT replaced by G.
Protein change: p.Met1363fs; shifts the reading frame from methionine 1363.
Molecular consequence: frameshift variant.
Genome position (GRCh38, 1-based): chr18:33,743,935-33,743,936, AT replaced by G. VCF-style: chr18-33743935-AT-G. GRCh37 (hg19) VCF-style: chr18-31323899-AT-G.
Other names: c.4087_4088delATinsG (NM_030632.3); short protein forms M1363fs.
Identifiers: ClinVar variation 817452 (VCV000817452.3), dbSNP rs1599572831, ClinGen allele CA915952505.